The following is an entry in ClinVar:

NM_017780.4(CHD7):c.2176_2177del (p.Asp726fs)

Gene: CHD7 (chromodomain helicase DNA binding protein 7; plus strand). Cytogenetic location: 8q12.2.
Variant type: Deletion.
Coding change: c.2176_2177del on transcript NM_017780.4 (MANE Select); coding-DNA positions 2176 to 2177, 2 bases deleted (GA; older notation c.2176_2177delGA).
Protein change: p.Asp726fs; shifts the reading frame from aspartic acid 726.
Molecular consequence: frameshift variant. On other transcripts: intron variant (1).
Genome position (GRCh38, 1-based): chr8:60,795,065-60,795,066, GA deleted; deleting any 2 consecutive bases within chr8:60,795,064-60,795,066 gives the same sequence; the c. name uses the placement nearest the transcript's 3' end. VCF-style (leftmost placement, unchanged base first): chr8-60795063-CAG-C. GRCh37 (hg19) VCF-style: chr8-61707622-CAG-C.
Other names: c.1716+14015_1716+14016del (NM_001316690.1); short protein forms D726fs.
Identifiers: ClinVar variation 4855284 (VCV004855284.1).
Genomic context (GRCh38, chr8:60,795,063, plus strand): 5'-CAGAAGCAAGTGCTTTGAAGAAAAAGGTCAACAAGGGAAAAACAGAAGGTTCTGAAAATT[CAG>C]ACTTAGACAAAACACCCCCACCATCTCCTCCTCCTGAAGAAGATGAGGACCCAGGTGTTC-3'

ClinVar aggregate classification (germline): Pathogenic (1 of 4 stars; one submission).

Conditions:
CHD7-related CHARGE syndrome. Identifiers: MedGen CN380413, MONDO:1010178, OMIM 214800.

Submission:

3billion
Classification: Pathogenic for CHD7-related CHARGE syndrome. Last evaluated: 2025-07-15. Review status: criteria provided, single submitter. Criteria: ACMG Guidelines, 2015. Collection method: clinical testing. Allele origin: germline. Affected: yes.
Comment: The variant is not observed in the gnomAD v4.1.0 dataset. Predicted Consequence/Location: Frameshift: predicted to result in a loss or disruption of normal protein function through nonsense-mediated decay (NMD) or protein truncation. Multiple pathogenic variants are reported downstream of the variant. The variant has been previously reported as de novo in a similarly affected individual (PMID: 32410215). The variant has been reported to be associated with CHD7-related disorder (PMID: 32410215). Therefore, this variant is classified as Pathogenic according to the recommendation of ACMG/AMP guideline.

Literature cited by the submitters: PubMed 32410215.